The following is an entry in ClinVar:

ClinVar aggregate classification (germline): Likely pathogenic (1 of 4 stars; one submission).

Conditions:
beta Thalassemia (BTHAL). Also called: Cooley's anemia; Erythroblastic anemia; Mediterranean anemia. Identifiers: Orphanet 848, MedGen C0005283, MONDO:0019402. Disease mechanism: loss of function.

Submission:

Women's Health and Genetics/Laboratory Corporation of America, LabCorp
Classification: Likely pathogenic for beta Thalassemia. Last evaluated: 2023-05-10. Review status: criteria provided, single submitter. Criteria: LabCorp Variant Classification Summary - May 2015. Collection method: clinical testing. Allele origin: germline.
Comment: Variant summary: HBB c.-136C>A is located in the untranscribed promoter region upstream of the HBB gene region. The variant was absent in 152166 control chromosomes. c.-136C>A has been reported in the literature in multiple individuals affected with mild Beta Thalassemia who carry the variant in a homozygous, compound heterozygous, or heterozygous state with no additional reported variant, including with evidence of segregation (examples: Meloni_1992, Ropero_2017, Moassas_2018, Aziz_2020). These data indicate that the variant is likely to be associated with disease. At least one publication reports experimental evidence evaluating an impact on protein function. The most pronounced variant effect results in >50%-90% of normal promoter activity (example: Kircher_2019). The following publications have been ascertained in the context of this evaluation (PMID: 30173596, 33092414, 31395865, 1550780, 28385923, 27351925, 11943067). No clinical diagnostic laboratories have submitted clinical-significance assessments for this variant to ClinVar after 2014. In addition, c.-136C>G and c.-136C>T at the same nucleotide position are both classified as pathogenic/likely pathogenic in ClinVar. Based on the evidence outlined above, the variant was classified as likely pathogenic.

Literature cited by the submitters: PubMed 1550780; PubMed 11943067; PubMed 31395865; PubMed 33092414; PubMed 27351925; PubMed 30173596; PubMed 28385923.

NM_000518.4(HBB):c.-136C>A

Genes: HBB (hemoglobin subunit beta; minus strand), LOC106099062 (HBB recombination region; plus strand), LOC107133510 (origin of replication at HBB; plus strand). Cytogenetic location: 11p15.4.
Variant type: single nucleotide variant.
Coding change: c.-136C>A on transcript NM_000518.4; 136 bases upstream of the start codon, C replaced by A.
Genome position (GRCh38, 1-based): chr11:5,227,157, G>T on the plus strand (C>A on the coding strand, the complement: HBB is on the minus strand). VCF-style: chr11-5227157-G-T. GRCh37 (hg19) VCF-style: chr11-5248387-G-T.
Identifiers: ClinVar variation 2506212 (VCV002506212.1), dbSNP rs33994806, ClinGen allele CA217115830.